The following is an entry in ClinVar:

ClinVar aggregate classification (germline): Likely benign. Review status: reviewed by expert panel (3 of 4 stars). 10 submissions from 10 submitters: Likely benign (1). 9 of the submissions do not count toward it. Last evaluated 2017-06-29.

Conditions:
Hereditary cancer-predisposing syndrome. Also called: Hereditary neoplastic syndrome; Tumor predisposition; Neoplastic Syndromes, Hereditary; Hereditary Cancer Syndrome. Identifiers: Orphanet 140162, MedGen C0027672, MeSH D009386, MONDO:0015356.
Hereditary breast ovarian cancer syndrome. Also called: Breast and ovarian cancer; Hereditary breast and/or ovarian cancer syndrome; BRCA1- and BRCA2-Associated Hereditary Breast and Ovarian Cancer; Hereditary breast and ovarian cancer; Hereditary breast and ovarian cancer syndrome; Hereditary breast and ovarian cancer syndrome (HBOC). Identifiers: Orphanet 145, MedGen C0677776, MeSH D061325, MONDO:0003582. Disease mechanism: loss of function.
Breast-ovarian cancer, familial, susceptibility to, 2 (BROVCA2). Also called: BRCA2 Hereditary Breast and Ovarian Cancer. Identifiers: Orphanet 145, MedGen C2675520, MONDO:0012933, OMIM 612555. Disease mechanism: loss of function.

Allele frequency attached by ClinVar (database versions not stated): gnomAD 0.00001; gnomAD exomes 0.00001 and 0.00004; ExAC 0.00002; TOPMed 0.00002.
gnomAD v4.1: 54 of 1,613,830 alleles (0.0033%); highest among the groups gnomAD compares: Non-Finnish European, 0.0042%; no homozygotes.

Submissions (11):

Evidence-based Network for the Interpretation of Germline Mutant Alleles (ENIGMA)
Classification: Likely benign for Breast-ovarian cancer, familial, susceptibility to, 2. Last evaluated: 2017-06-29. Review status: reviewed by expert panel. Criteria: ENIGMA BRCA1/2 Classification Criteria (2017-06-29). Collection method: curation. Allele origin: germline.
Comment: Synonymous substitution variant, with low bioinformatic likelihood to result in a splicing aberration (Splicing prior probability 0.02).

CeGaT Center for Human Genetics Tuebingen
Classification: Likely benign. Last evaluated: 2026-09-01. Review status: criteria provided, single submitter. Criteria: CeGaT Center For Human Genetics Tuebingen Variant Classification Criteria Version 2. Collection method: clinical testing. Allele origin: germline. Affected: yes. Observed: 1 variant allele. Not counted in ClinVar's aggregate classification.
Comment: BRCA2: BP4, BP7

Labcorp Genetics (formerly Invitae), Labcorp
Classification: Likely benign for Hereditary breast ovarian cancer syndrome. Last evaluated: 2025-10-05. Review status: criteria provided, single submitter. Criteria: Invitae Variant Classification Sherloc (09022015). Collection method: clinical testing. Allele origin: germline. Not counted in ClinVar's aggregate classification.

Quest Diagnostics Nichols Institute San Juan Capistrano
Classification: Likely benign. Last evaluated: 2025-04-18. Review status: criteria provided, single submitter. Criteria: Quest Diagnostics criteria. Collection method: clinical testing. Allele origin: unknown. Not counted in ClinVar's aggregate classification.

All of Us Research Program, National Institutes of Health
Classification: Likely benign for Breast-ovarian cancer, familial, susceptibility to, 2. Last evaluated: 2023-12-01. Review status: criteria provided, single submitter. Criteria: ACMG Guidelines, 2015. Collection method: clinical testing. Allele origin: germline. Inheritance: Autosomal dominant inheritance. Observed: 5 variant alleles, 5 heterozygotes. Not counted in ClinVar's aggregate classification.
Comment: This study involves interpretation of variants in research participants for the purpose of population health screening. Participant phenotype was not available at the time of variant classification. Additional details can be found in publication PMID: 35346344, PMCID: PMC8962531

Women's Health and Genetics/Laboratory Corporation of America, LabCorp
Classification: Likely benign. Last evaluated: 2022-01-16. Review status: criteria provided, single submitter. Criteria: LabCorp Variant Classification Summary - May 2015. Collection method: clinical testing. Allele origin: germline. Not counted in ClinVar's aggregate classification.

Sema4
Classification: Likely benign for Hereditary cancer-predisposing syndrome. Last evaluated: 2021-12-28. Review status: criteria provided, single submitter. Criteria: Sema4 Curation Guidelines. Collection method: curation. Allele origin: germline. Not counted in ClinVar's aggregate classification.

GeneDx
Classification: Likely benign. Last evaluated: 2018-06-11. Review status: criteria provided, single submitter. Criteria: GeneDx Variant Classification Process June 2021. Collection method: clinical testing. Allele origin: germline. Affected: yes. Not counted in ClinVar's aggregate classification.
Comment: This variant is associated with the following publications: (PMID: 21120943)

Color Diagnostics, LLC DBA Color Health
Classification: Likely benign for Hereditary cancer-predisposing syndrome. Last evaluated: 2016-07-17. Review status: criteria provided, single submitter. Criteria: ACMG Guidelines, 2015. Collection method: clinical testing. Allele origin: germline. Not counted in ClinVar's aggregate classification.

Ambry Genetics
Classification: Likely benign for Hereditary cancer-predisposing syndrome. Last evaluated: 2014-09-19. Review status: criteria provided, single submitter. Criteria: Ambry Variant Classification Scheme 2023. Collection method: clinical testing. Allele origin: germline. Not counted in ClinVar's aggregate classification.

Dr. Peter K. Rogan Lab, Western University
No classification provided (evidence only). Condition: Familial cancer of breast. Review status: no classification provided. Collection method: in vitro. Allele origin: not applicable. Functional consequence: retained intron. Not counted in ClinVar's aggregate classification.

Literature cited by the submitters: PubMed 21120943 (cited by Quest Diagnostics Nichols Institute San Juan Capistrano).

NM_000059.4(BRCA2):c.5928G>T (p.Gly1976=)

Gene: BRCA2 (BRCA2 DNA repair associated; plus strand). Cytogenetic location: 13q13.1.
Variant type: single nucleotide variant.
Coding change: c.5928G>T on transcript NM_000059.4 (MANE Select); coding-DNA position 5928, G replaced by T.
Protein change: p.Gly1976=; no amino-acid change (glycine 1976 retained).
Molecular consequence: synonymous variant.
Genome position (GRCh38, 1-based): chr13:32,340,283, G>T. VCF-style: chr13-32340283-G-T. GRCh37 (hg19) VCF-style: chr13-32914420-G-T.
Identifiers: ClinVar variation 184080 (VCV000184080.29), dbSNP rs752858082, ClinGen allele CA023380.
Genomic context (GRCh38, chr13:32,340,283, plus strand): 5'-TATATGTAAATGTAGTATAGGGAAGCTTCATAAGTCAGTCTCATCTGCAAATACTTGTGG[G>T]ATTTTTAGCACAGCAAGTGGAAAATCTGTCCAGGTATCAGATGCTTCATTACAAAACGCA-3'
Protein context (NP_000050.3, residues 1966-1986): HKSVSSANTC[Gly1976=]IFSTASGKSV